The following is an entry in ClinVar:

NM_004260.4(RECQL4):c.731A>G (p.Glu244Gly)

Gene: RECQL4 (RecQ like helicase 4; minus strand). Cytogenetic location: 8q24.3.
Variant type: single nucleotide variant.
Coding change: c.731A>G on transcript NM_004260.4 (MANE Select); coding-DNA position 731, A replaced by G.
Protein change: p.Glu244Gly; replaces glutamic acid 244 with glycine.
Molecular consequence: missense variant.
Genome position (GRCh38, 1-based): chr8:144,516,388, T>C on the plus strand (A>G on the coding strand, the complement: RECQL4 is on the minus strand). VCF-style: chr8-144516388-T-C. GRCh37 (hg19) VCF-style: chr8-145741772-T-C.
Other names: short protein forms E244G.
Identifiers: ClinVar variation 857757 (VCV000857757.7), dbSNP rs1814997320, ClinGen allele CA372689481.

ClinVar aggregate classification (germline): Uncertain significance. Review status: criteria provided, multiple submitters, no conflicts (2 of 4 stars). 2 submissions from 2 submitters: Uncertain significance (2). Last evaluated 2024-12-20.

Conditions:
Inborn genetic diseases. Identifiers: MedGen C0950123, MeSH D030342.
Baller-Gerold syndrome (BGS). Also called: CRANIOSYNOSTOSIS WITH RADIAL DEFECTS. Identifiers: Orphanet 1225, MedGen C0265308, MONDO:0009039, OMIM 218600.

Submissions (2):

Ambry Genetics
Classification: Uncertain significance for Inborn genetic diseases. Last evaluated: 2024-12-20. Review status: criteria provided, single submitter. Criteria: Ambry Variant Classification Scheme 2023. Collection method: clinical testing. Allele origin: germline.
Comment: The p.E244G variant (also known as c.731A>G), located in coding exon 5 of the RECQL4 gene, results from an A to G substitution at nucleotide position 731. The glutamic acid at codon 244 is replaced by glycine, an amino acid with similar properties. This amino acid position is conserved. In addition, this alteration is predicted to be tolerated by in silico analysis. Based on the available evidence, the clinical significance of this variant remains unclear.

Labcorp Genetics (formerly Invitae), Labcorp
Classification: Uncertain significance for Baller-Gerold syndrome. Last evaluated: 2022-06-13. Review status: criteria provided, single submitter. Criteria: Invitae Variant Classification Sherloc (09022015). Collection method: clinical testing. Allele origin: germline.
Comment: In summary, the available evidence is currently insufficient to determine the role of this variant in disease. Therefore, it has been classified as a Variant of Uncertain Significance. ClinVar contains an entry for this variant (Variation ID: 857757). This variant has not been reported in the literature in individuals affected with RECQL4-related conditions. This variant is not present in population databases (gnomAD no frequency). This sequence change replaces glutamic acid, which is acidic and polar, with glycine, which is neutral and non-polar, at codon 244 of the RECQL4 protein (p.Glu244Gly).